The following is an entry in ClinVar:

NM_001375524.1(TRRAP):c.3251C>G (p.Ser1084Trp)

Gene: TRRAP (transformation/transcription domain associated protein; plus strand). Cytogenetic location: 7q22.1.
Variant type: single nucleotide variant.
Coding change: c.3251C>G on transcript NM_001375524.1 (MANE Select); coding-DNA position 3251, C replaced by G.
Protein change: p.Ser1084Trp; replaces serine 1084 with tryptophan.
Molecular consequence: missense variant.
Genome position (GRCh38, 1-based): chr7:98,930,064, C>G. VCF-style: chr7-98930064-C-G. GRCh37 (hg19) VCF-style: chr7-98527687-C-G.
Other names: c.3251C>G, p.Ser1084Trp (NM_001244580.2, NM_003496.4); short protein forms S1084W.
Identifiers: ClinVar variation 3342098 (VCV003342098.16).

ClinVar aggregate classification (germline): Uncertain significance (1 of 4 stars; one submission).

Submission:

CeGaT Center for Human Genetics Tuebingen
Classification: Uncertain significance. Last evaluated: 2024-08-01. Review status: criteria provided, single submitter. Criteria: CeGaT Center For Human Genetics Tuebingen Variant Classification Criteria Version 2. Collection method: clinical testing. Allele origin: germline. Affected: yes. Observed: 1 variant allele.
Comment: TRRAP: PM2